The following is an entry in ClinVar:

ClinVar aggregate classification (germline): Likely benign (1 of 4 stars; one submission).

Submission:

CeGaT Center for Human Genetics Tuebingen
Classification: Likely benign. Last evaluated: 2025-11-01. Review status: criteria provided, single submitter. Criteria: CeGaT Center For Human Genetics Tuebingen Variant Classification Criteria Version 2. Collection method: clinical testing. Allele origin: germline. Affected: yes. Observed: 2 variant alleles.
Comment: ELOA3BP: PM2:Supporting, BP4, BP7

NM_001387690.1(KATNAL2):c.51+22756C>T

Gene: KATNAL2 (katanin catalytic subunit A1 like 2; plus strand). Cytogenetic location: 18q21.1.
Variant type: single nucleotide variant.
Coding change: c.51+22756C>T on transcript NM_001387690.1 (MANE Select); 22756 bases into the intron after coding-DNA position 51, C replaced by T.
Molecular consequence: intron variant.
Genome position (GRCh38, 1-based): chr18:46,969,679, C>T. VCF-style: chr18-46969679-C-T. GRCh37 (hg19) VCF-style: chr18-44549642-C-T.
Other names: c.-2+22756C>T (NM_001353904.1, NM_001353903.1, NM_001353907.1 and 3 more transcripts); c.129+22756C>T (NM_001353899.1, NM_001353900.1, NM_001353902.1); c.51+22756C>T (NM_001353901.1, NM_001367621.1); c.-295+22756C>T (NM_001353905.1); c.-95+22756C>T (NM_031303.3).
Identifiers: ClinVar variation 3770930 (VCV003770930.13).